The following is an entry in ClinVar:

ClinVar aggregate classification (germline): Pathogenic/Likely pathogenic. Review status: criteria provided, multiple submitters, no conflicts (2 of 4 stars). 5 submissions from 5 submitters: Pathogenic (4); Likely pathogenic (1). Last evaluated 2025-07-29.

Conditions:
Neurofibromatosis, type 1 (NF1). Also called: Peripheral type neurofibromatosis; Neurofibromatosis, type I; NEUROFIBROMATOSIS, TYPE I, SOMATIC; VON RECKLINGHAUSEN DISEASE. Identifiers: Orphanet 636, MedGen C0027831, MONDO:0018975, OMIM 162200. Disease mechanism: loss of function.
Hereditary cancer-predisposing syndrome. Also called: Hereditary Cancer Syndrome; Neoplastic Syndromes, Hereditary; Hereditary neoplastic syndrome; Tumor predisposition. Identifiers: Orphanet 140162, MedGen C0027672, MeSH D009386, MONDO:0015356.
Cardiovascular phenotype. Identifiers: MedGen CN230736.

Submissions (5):

Ambry Genetics
Classification: Likely pathogenic for Cardiovascular phenotype; Hereditary cancer-predisposing syndrome. Last evaluated: 2025-07-29. Review status: criteria provided, single submitter. Criteria: Ambry Variant Classification Scheme 2023. Collection method: clinical testing. Allele origin: germline.
Comment: The c.1642-10A>G intronic variant results from an A to G substitution 10 nucleotides upstream from coding exon 15 in the NF1 gene. This variant was reported in individual(s) with features consistent with neurofibromatosis type 1 (NF1) (Jang MA et al. J Hum Genet, 2016 Aug;61:705-9; Wimmer K et al. Hum Mutat, 2020 Jun;41:1145-1156; Ambry internal data; External communication). This nucleotide position is well conserved in available vertebrate species. In silico splice site analysis predicts that this alteration will weaken the native splice acceptor site and will result in the creation or strengthening of a novel splice acceptor site. This variant is considered to be rare based on population cohorts in the Genome Aggregation Database (gnomAD). Based on the majority of available evidence to date, this variant is likely to be pathogenic.

Labcorp Genetics (formerly Invitae), Labcorp
Classification: Pathogenic for Neurofibromatosis, type 1. Last evaluated: 2025-06-09. Review status: criteria provided, single submitter. Criteria: Invitae Variant Classification Sherloc (09022015). Collection method: clinical testing. Allele origin: germline.
Comment: This sequence change falls in intron 14 of the NF1 gene. It does not directly change the encoded amino acid sequence of the NF1 protein. RNA analysis indicates that this variant induces altered splicing and likely results in the gain of 3 amino acid residue(s), but is expected to preserve the integrity of the reading-frame. This variant is not present in population databases (gnomAD no frequency). This variant has been observed in individual(s) with clinical features of neurofibromatosis type 1 (PMID: 27074763; internal data). In at least one individual the variant was observed to be de novo. Invitae Evidence Modeling of clinical and family history, age, sex, and reported ancestry of multiple individuals with this NF1 variant has been performed. This variant is expected to be pathogenic with a positive predictive value of at least 99%. This is a validated machine learning model that incorporates the clinical features of 1,785,918 individuals referred to our laboratory for NF1 testing. ClinVar contains an entry for this variant (Variation ID: 816755). Studies have shown that this variant results in the activation of a cryptic splice site in intron 14 (PMID: 27074763, 32126153). For these reasons, this variant has been classified as Pathogenic.

Victorian Clinical Genetics Services, Murdoch Childrens Research Institute
Classification: Pathogenic for Neurofibromatosis, type 1. Last evaluated: 2025-01-27. Review status: criteria provided, single submitter. Criteria: ACMG Guidelines, 2015. Collection method: clinical testing. Allele origin: germline. Affected: yes.
Comment: This variant is classified as Pathogenic. Evidence in support of pathogenic classification: Non-coding variant with known effect. This variant has been shown to introduce a cryptic splice site, resulting in an indel protein product p.(Glu547_Ala548insLysIleGln) (PMID: 27074763); Variant is absent from gnomAD (v2, v3 and v4); This variant has moderate previous evidence of pathogenicity in unrelated individuals. This variant has been classified as pathogenic or likely pathogenic by multiple clinical laboratories in ClinVar, and has been reported in the literature in an individual with neurofibromatosis type 1 (PMID: 27074763). Additional information: This variant is heterozygous; This gene is associated with autosomal dominant disease; No published segregation evidence has been identified for this variant; No published functional evidence has been identified for this variant; No comparable intronic or indel variants have previous evidence for pathogenicity; Loss of function is a known mechanism of neurofibromatosis, type 1 (MONDO:0018975); Variants in this gene are known to have variable expressivity. Disease manifestation can be extremely variable, even within a family (PMID: 20301288); Inheritance information for this variant is not currently available in this individual.

Institute of Human Genetics, Medical University Innsbruck
Classification: Pathogenic for Neurofibromatosis, type 1. Last evaluated: 2020-01-20. Review status: criteria provided, single submitter. Criteria: ACMG Guidelines, 2015. Collection method: clinical testing. Allele origin: germline. Affected: yes.

UAB Medical Genomics Laboratory, UAB Medicine
Classification: Pathogenic for Neurofibromatosis, type 1. Last evaluated: 2020-01-20. Review status: criteria provided, single submitter. Criteria: ACMG Guidelines, 2015. Collection method: clinical testing. Allele origin: germline. Affected: yes.

Literature cited by the submitters: PubMed 27074763 (cited by 3 submitters); PubMed 32126153 (cited by 3 submitters); PubMed 20301288 (cited by Victorian Clinical Genetics Services, Murdoch Childrens Research Institute); DOI 10.1002/humu.24005 (cited by Institute of Human Genetics, Medical University Innsbruck).

NM_001042492.3(NF1):c.1642-10A>G

Gene: NF1 (neurofibromin 1; plus strand). Cytogenetic location: 17q11.2.
Variant type: single nucleotide variant.
Coding change: c.1642-10A>G on transcript NM_001042492.3 (MANE Select); 10 bases into the intron before coding-DNA position 1642, A replaced by G.
Molecular consequence: intron variant.
Genome position (GRCh38, 1-based): chr17:31,221,840, A>G. VCF-style: chr17-31221840-A-G. GRCh37 (hg19) VCF-style: chr17-29548858-A-G.
Other names: c.1642-10A>G (NM_000267.4, NM_001128147.3).
Identifiers: ClinVar variation 816755 (VCV000816755.14), dbSNP rs1597706578, ClinGen allele CA915949713.
Genomic context (GRCh38, chr17:31,221,840, plus strand): 5'-CCAGTGTTATGTTTACCAAAAATGTTTGAGTGAGTCTTCTCTTTGTCTTTCTCTTTTTTA[A>G]AAAATTCAGGCTCTGCTGGTTCTTCATCAGTTAGATAGCATTGATTTGTGGAATCCTGAT-3'